The following is an entry in ClinVar:

ClinVar aggregate classification (germline): Likely pathogenic (1 of 4 stars; one submission).

Submission:

Quest Diagnostics Nichols Institute San Juan Capistrano
Classification: Likely pathogenic. Last evaluated: 2025-01-23. Review status: criteria provided, single submitter. Criteria: ACMG/ClinGen CNV Guidelines, 2019. Collection method: clinical testing. Allele origin: unknown.
Comment: This 12p13.31 deletion involves at least 11 protein-coding genes. Heterozygous loss-of-function variants and heterozygous partial deletions of VWF have been reported in numerous individuals with autosomal dominant von Willebrand disease, type 1 (VWD1) (OMIM 193400) (Bowman 2013, Cartwright 2020, James 1993, Solimando 2012, Sutherland 2009, Vangenechten 2019, Lapic 2023, Othman 2010, Veyradier 2016). There are no similar copy number losses of this region in the general populations of the Database of Genomic Variants. Thus, this copy number variant (CNV) is classified as likely pathogenic with variable expressivity and incomplete penetrance. References: Bowman et al., J Thromb Haemost. 2013 Mar;11(3):512-20. PMID: 23311757 Cartwright et al., Blood Adv. 2020 Jul 14;4(13):2979-2990. PMID: 32609846 James et al., GeneReviews. 1993 PMID: 21289515 Lapic et al., Lab Med. 2023 Jul 5;54(4):434-438. PMID: 36468906 Othman et al., Blood. 2010 Nov 4;116(18):3645-52. PMID: 20696945 Solimando et al., Am J Hematol. 2012 Sep;87(9):870-4. PMID: 22674667 Sutherland et al., Blood. 2009 Jul 30;114(5):1091-8. PMID: 19372260 Vangenechten et al., Thromb Haemost. 2019 Apr;119(4):594-605. PMID: 30722078 Veyradier et al., Medicine (Baltimore). 2016 Mar;95(11):e3038. PMID: 26986123

GRCh37/hg19 12p13.31(chr12:6071100-6619414)x1

Genes: CD27 (CD27 molecule; plus strand), CD9 (CD9 molecule; plus strand), LTBR (lymphotoxin beta receptor; plus strand), MRPL51 (mitochondrial ribosomal protein L51; minus strand), NCAPD2 (non-SMC condensin I complex subunit D2; plus strand) and 6 more. Cytogenetic location: 12p13.31.
Variant type: copy number loss.
Change: copy number 1 (one copy instead of two) of chr12:6,071,100-6,619,414 (548.3 kb, GRCh37 coordinates, 1-based), cytogenetic band 12p13.31.
Identifiers: ClinVar variation 4682803 (VCV004682803.1).